The following is an entry in ClinVar:

NM_000540.3(RYR1):c.6891+2T>C

Gene: RYR1 (ryanodine receptor 1; plus strand). Cytogenetic location: 19q13.2.
Variant type: single nucleotide variant.
Coding change: c.6891+2T>C on transcript NM_000540.3 (MANE Select); the canonical splice donor site of the intron after coding-DNA position 6891, T replaced by C.
Molecular consequence: splice donor variant.
Genome position (GRCh38, 1-based): chr19:38,496,956, T>C. VCF-style: chr19-38496956-T-C. GRCh37 (hg19) VCF-style: chr19-38987596-T-C.
Other names: c.6891+2T>C (NM_001042723.2).
Identifiers: ClinVar variation 2792532 (VCV002792532.4), dbSNP rs1455553231, ClinGen allele CA405666685.

ClinVar aggregate classification (germline): Conflicting classifications of pathogenicity. Review status: criteria provided, conflicting classifications (1 of 4 stars). 2 submissions from 2 submitters: Likely pathogenic (1); Uncertain significance (1). Last evaluated 2025-08-19.

Conditions:
RYR1-related disorder. Also called: RYR1-related condition; RYR1-related disorders. Identifiers: MedGen CN239331.
Malignant hyperthermia, susceptibility to, 1 (MHS1). Also called: Anesthesia related hyperthermia; Malignant hyperpyrexia; Fulminating hyperpyrexia; Pharmacogenic myopathy; Malignant hyperthermia suceptibility 1; RYR1-Related Malignant Hyperthermia Susceptibility. Identifiers: Orphanet 423, MedGen C2930980, MONDO:0007783, OMIM 145600.

Allele frequency attached by ClinVar (database versions not stated): TOPMed below 0.00001; gnomAD 0.00001.
gnomAD v4.1: 1 of 1,612,320 alleles (0.000062%); highest among the groups gnomAD compares: African/African-American, 0.0013%; no homozygotes.

Submissions (2):

Color Diagnostics, LLC DBA Color Health
Classification: Uncertain significance for Malignant hyperthermia, susceptibility to, 1. Last evaluated: 2025-08-19. Review status: criteria provided, single submitter. Criteria: ACMG Guidelines, 2015. Collection method: clinical testing. Allele origin: germline.
Comment: This variant causes a T to C substitution at the +2 position of intron 42 in the RYR1 gene. To our knowledge, RNA studies have not been reported for this variant. This variant has not been reported in individuals affected with malignant hyperthermia in the literature. This variant has not been identified in the general population by the Genome Aggregation Database (gnomAD). Loss of RYR1 function is not an established disease mechanism for autosomal dominant malignant hyperthermia, although it is associated with other phenotype(s) (ClinVar Variation ID: 2792532). Therefore, this variant is classified as a Variant of Uncertain Significance for autosomal dominant malignant hyperthermia.

Labcorp Genetics (formerly Invitae), Labcorp
Classification: Likely pathogenic for RYR1-related disorder. Last evaluated: 2023-11-02. Review status: criteria provided, single submitter. Criteria: Invitae Variant Classification Sherloc (09022015). Collection method: clinical testing. Allele origin: germline.
Comment: This sequence change affects a donor splice site in intron 42 of the RYR1 gene. It is expected to disrupt RNA splicing. Variants that disrupt the donor or acceptor splice site typically lead to a loss of protein function (PMID: 16199547), and loss-of-function variants in RYR1 are known to be pathogenic (PMID: 23919265, 25960145, 28818389, 30611313). This variant is not present in population databases (gnomAD no frequency). This variant has not been reported in the literature in individuals affected with RYR1-related conditions. Algorithms developed to predict the effect of sequence changes on RNA splicing suggest that this variant may disrupt the consensus splice site. In summary, the currently available evidence indicates that the variant is pathogenic, but additional data are needed to prove that conclusively. Therefore, this variant has been classified as Likely Pathogenic.

Literature cited by the submitters: PubMed 16199547 (cited by Labcorp Genetics (formerly Invitae), Labcorp); PubMed 23919265 (cited by Labcorp Genetics (formerly Invitae), Labcorp); PubMed 25960145 (cited by Labcorp Genetics (formerly Invitae), Labcorp); PubMed 28818389 (cited by Labcorp Genetics (formerly Invitae), Labcorp); PubMed 30611313 (cited by Labcorp Genetics (formerly Invitae), Labcorp).